The following is an entry in ClinVar:

NM_001378615.1(CC2D2A):c.4437+4T>C

Genes: CC2D2A (coiled-coil and C2 domain containing 2A; plus strand), FBXL5 (F-box and leucine rich repeat protein 5; minus strand). Cytogenetic location: 4p15.32.
Variant type: single nucleotide variant.
Coding change: c.4437+4T>C on transcript NM_001378615.1 (MANE Select); 4 bases into the intron after coding-DNA position 4437, T replaced by C.
Molecular consequence: intron variant.
Genome position (GRCh38, 1-based): chr4:15,596,211, T>C. VCF-style: chr4-15596211-T-C. GRCh37 (hg19) VCF-style: chr4-15597834-T-C.
Other names: c.4437+4T>C (NM_001080522.2); c.4290+4T>C (NM_001378617.1).
Identifiers: ClinVar variation 1983796 (VCV001983796.4), dbSNP rs1721315345, ClinGen allele CA1059644927.
Genomic context (GRCh38, chr4:15,596,211, plus strand): 5'-CTATGGAAATCTTTCTTTTCAAGAAGCCTTCCATATCCTGGCCTTTCCAGTGTTCAGGTA[T>C]AAATCTTTTATTAACAGTTAAATGTAGACAAAGTAAAAGATAGGAAATTATACTGGGTTA-3'

ClinVar aggregate classification (germline): Uncertain significance (1 of 4 stars; one submission).

Conditions:
Joubert syndrome. Also called: Familial aplasia of the vermis; JOUBERT-BOLTSHAUSER SYNDROME. Identifiers: Orphanet 475, MedGen C5979921, MONDO:0018772.
Meckel-Gruber syndrome. Also called: Dysencephalia splachnocystica; DYSENCEPHALIA SPLANCHNOCYSTICA; GRUBER SYNDROME. Identifiers: Orphanet 564, MedGen C0265215, MONDO:0018921.

Allele frequency attached by ClinVar (database versions not stated): gnomAD 0.00001.

Submission:

Labcorp Genetics (formerly Invitae), Labcorp
Classification: Uncertain significance for Joubert syndrome; Meckel-Gruber syndrome. Last evaluated: 2024-02-24. Review status: criteria provided, single submitter. Criteria: Invitae Variant Classification Sherloc (09022015). Collection method: clinical testing. Allele origin: germline.
Comment: This sequence change falls in intron 35 of the CC2D2A gene. It does not directly change the encoded amino acid sequence of the CC2D2A protein. It affects a nucleotide within the consensus splice site. This variant is not present in population databases (gnomAD no frequency). This variant has not been reported in the literature in individuals affected with CC2D2A-related conditions. ClinVar contains an entry for this variant (Variation ID: 1983796). Variants that disrupt the consensus splice site are a relatively common cause of aberrant splicing (PMID: 17576681, 9536098). Algorithms developed to predict the effect of sequence changes on RNA splicing suggest that this variant is not likely to affect RNA splicing. In summary, the available evidence is currently insufficient to determine the role of this variant in disease. Therefore, it has been classified as a Variant of Uncertain Significance.

Literature cited by the submitters: PubMed 17576681; PubMed 9536098.